The following is an entry in ClinVar:

NM_000089.4(COL1A2):c.2008G>A (p.Gly670Ser)

Gene: COL1A2 (collagen type I alpha 2 chain; plus strand). Cytogenetic location: 7q21.3.
Variant type: single nucleotide variant.
Coding change: c.2008G>A on transcript NM_000089.4 (MANE Select); coding-DNA position 2008, G replaced by A.
Protein change: p.Gly670Ser; replaces glycine 670 with serine.
Molecular consequence: missense variant.
Genome position (GRCh38, 1-based): chr7:94,418,535, G>A. VCF-style: chr7-94418535-G-A. GRCh37 (hg19) VCF-style: chr7-94047847-G-A.
Other names: short protein forms G670S.
Identifiers: ClinVar variation 2034209 (VCV002034209.4), dbSNP rs2484722826, ClinGen allele CA368223057.

ClinVar aggregate classification (germline): Likely pathogenic (1 of 4 stars; one submission).

Conditions:
Ehlers-Danlos syndrome, classic type, 1 (EDSCL1). Also called: EHLERS-DANLOS SYNDROME, GRAVIS TYPE; EHLERS-DANLOS SYNDROME, SEVERE CLASSIC TYPE; Ehlers-Danlos syndrome, type 1; EDS I; Ehlers-Danlos Syndrome, Classic Type, COL5A1-Related. Identifiers: MedGen C0268335, MONDO:0019567, OMIM 130000.
Osteogenesis imperfecta type I (OI1). Also called: OI, TYPE I; OSTEOGENESIS IMPERFECTA TARDA; OSTEOGENESIS IMPERFECTA WITH BLUE SCLERAE; Osteogenesis imperfecta type 1; Lobstein's Disease; Lobstein disease. Identifiers: Orphanet 216796, Orphanet 666, MedGen C0023931, MONDO:0008146, OMIM 166200. Disease mechanism: loss of function.

Submission:

Labcorp Genetics (formerly Invitae), Labcorp
Classification: Likely pathogenic for Osteogenesis imperfecta type I; Ehlers-Danlos syndrome, classic type, 1. Last evaluated: 2022-10-07. Review status: criteria provided, single submitter. Criteria: Invitae Variant Classification Sherloc (09022015). Collection method: clinical testing. Allele origin: germline.
Comment: Advanced modeling of protein sequence and biophysical properties (such as structural, functional, and spatial information, amino acid conservation, physicochemical variation, residue mobility, and thermodynamic stability) performed at Invitae indicates that this missense variant is expected to disrupt COL1A2 protein function. This variant has not been reported in the literature in individuals affected with COL1A2-related conditions. This variant is not present in population databases (gnomAD no frequency). This sequence change replaces glycine, which is neutral and non-polar, with serine, which is neutral and polar, at codon 670 of the COL1A2 protein (p.Gly670Ser). In summary, the currently available evidence indicates that the variant is pathogenic, but additional data are needed to prove that conclusively. Therefore, this variant has been classified as Likely Pathogenic. This variant disrupts the triple helix domain of COL1A2. Glycine residues within the Gly-Xaa-Yaa repeats of the triple helix domain are required for the structure and stability of fibrillar collagens (PMID: 7695699, 8218237, 19344236). In COL1A2, variants affecting these glycine residues are significantly enriched in individuals with disease (PMID: 9016532, 17078022) compared to the general population (ExAC).

Literature cited by the submitters: PubMed 7695699; PubMed 8218237; PubMed 19344236; PubMed 9016532; PubMed 17078022.